The following is an entry in ClinVar:

ClinVar aggregate classification (germline): Pathogenic (1 of 4 stars; one submission).

Conditions:
Ehlers-Danlos syndrome, classic type, 1 (EDSCL1). Also called: EHLERS-DANLOS SYNDROME, GRAVIS TYPE; EHLERS-DANLOS SYNDROME, SEVERE CLASSIC TYPE; Ehlers-Danlos syndrome, type 1; EDS I; Ehlers-Danlos Syndrome, Classic Type, COL5A1-Related. Identifiers: MedGen C0268335, MONDO:0019567, OMIM 130000.
Osteogenesis imperfecta type I (OI1). Also called: OI, TYPE I; OSTEOGENESIS IMPERFECTA TARDA; OSTEOGENESIS IMPERFECTA WITH BLUE SCLERAE; Osteogenesis imperfecta type 1; Lobstein's Disease; Lobstein disease. Identifiers: Orphanet 216796, Orphanet 666, MedGen C0023931, MONDO:0008146, OMIM 166200. Disease mechanism: loss of function.

Submission:

Labcorp Genetics (formerly Invitae), Labcorp
Classification: Pathogenic for Osteogenesis imperfecta type I; Ehlers-Danlos syndrome, classic type, 1. Last evaluated: 2022-01-11. Review status: criteria provided, single submitter. Criteria: Invitae Variant Classification Sherloc (09022015). Collection method: clinical testing. Allele origin: germline.
Comment: This sequence change creates a premature translational stop signal (p.Gly784Trpfs*41) in the COL1A2 gene. It is expected to result in an absent or disrupted protein product. Loss-of-function variants in COL1A2 are known to be pathogenic (PMID: 11288717, 15077201). This variant is not present in population databases (gnomAD no frequency). This variant has not been reported in the literature in individuals affected with COL1A2-related conditions. For these reasons, this variant has been classified as Pathogenic.

Literature cited by the submitters: PubMed 11288717; PubMed 15077201.

NM_000089.4(COL1A2):c.2348dup (p.Gly784fs)

Gene: COL1A2 (collagen type I alpha 2 chain; plus strand). Cytogenetic location: 7q21.3.
Variant type: Duplication.
Coding change: c.2348dup on transcript NM_000089.4 (MANE Select); coding-DNA position 2348, one base duplicated (C; older notation c.2348dupC).
Protein change: p.Gly784fs; shifts the reading frame from glycine 784.
Molecular consequence: frameshift variant.
Genome position (GRCh38, 1-based): chr7:94,421,061, C duplicated; the last of 6 consecutive C bases (chr7:94,421,056-94,421,061); duplicating any one gives the same sequence. VCF-style (leftmost placement, unchanged base first): chr7-94421055-G-GC. GRCh37 (hg19) VCF-style: chr7-94050367-G-GC.
Other names: short protein forms G784fs.
Identifiers: ClinVar variation 1982517 (VCV001982517.4), dbSNP rs1792149902, ClinGen allele CA2578942105.